The following is an entry in ClinVar:

NM_032043.3(BRIP1):c.954A>T (p.Lys318Asn)

Gene: BRIP1 (BRCA1 interacting DNA helicase 1; minus strand). Cytogenetic location: 17q23.2.
Variant type: single nucleotide variant.
Coding change: c.954A>T on transcript NM_032043.3 (MANE Select); coding-DNA position 954, A replaced by T.
Protein change: p.Lys318Asn; replaces lysine 318 with asparagine.
Molecular consequence: missense variant.
Genome position (GRCh38, 1-based): chr17:61,801,439, T>A on the plus strand (A>T on the coding strand, the complement: BRIP1 is on the minus strand). VCF-style: chr17-61801439-T-A. GRCh37 (hg19) VCF-style: chr17-59878800-T-A.
Other names: short protein forms K318N.
Identifiers: ClinVar variation 3482479 (VCV003482479.1).

ClinVar aggregate classification (germline): Uncertain significance (1 of 4 stars; one submission).

Conditions:
Hereditary cancer-predisposing syndrome. Also called: Tumor predisposition; Neoplastic Syndromes, Hereditary; Hereditary Cancer Syndrome; Hereditary neoplastic syndrome. Identifiers: Orphanet 140162, MedGen C0027672, MeSH D009386, MONDO:0015356.

Submission:

Ambry Genetics
Classification: Uncertain significance for Hereditary cancer-predisposing syndrome. Last evaluated: 2024-11-21. Review status: criteria provided, single submitter. Criteria: Ambry Variant Classification Scheme 2023. Collection method: clinical testing. Allele origin: germline.
Comment: The p.K318N variant (also known as c.954A>T), located in coding exon 7 of the BRIP1 gene, results from an A to T substitution at nucleotide position 954. The lysine at codon 318 is replaced by asparagine, an amino acid with similar properties. This amino acid position is conserved. In addition, this alteration is predicted to be tolerated by in silico analysis. Based on the available evidence, the clinical significance of this variant remains unclear.